The following is an entry in ClinVar:

ClinVar aggregate classification (germline): Benign. Review status: criteria provided, multiple submitters, no conflicts (2 of 4 stars). 3 submissions from 3 submitters: Benign (2). 1 of the submissions does not count toward it. Last evaluated 2014-01-09.

Allele frequency attached by ClinVar (database versions not stated): TOPMed 0.05633; ExAC 0.05735; gnomAD exomes 0.05801; gnomAD 0.05966 and 0.06008; ESP Exome Variant Server 0.06036; 1000 Genomes Project 30x 0.04778; 1000 Genomes Project 0.04832.
gnomAD v4.1: 107,953 of 1,614,014 alleles (6.7%); highest among the groups gnomAD compares: Middle Eastern, 7.7%; 3,759 homozygotes.

Submissions (3):

GeneDx
Classification: Benign. Last evaluated: 2014-01-09. Review status: criteria provided, single submitter. Criteria: GeneDx Variant Classification (06012015). Collection method: clinical testing. Allele origin: germline. Affected: yes.
Comment: This variant is considered likely benign or benign based on one or more of the following criteria: it is a conservative change, it occurs at a poorly conserved position in the protein, it is predicted to be benign by multiple in silico algorithms, and/or has population frequency not consistent with disease.

Breakthrough Genomics
Classification: Benign. Review status: criteria provided, single submitter. Criteria: ACMG Guidelines, 2015. Collection method: not provided. Allele origin: germline. Inheritance: Unknown mechanism. Affected: yes.

Mayo Clinic Laboratories, Mayo Clinic
Classification: Benign. Last evaluated: 2016-02-23. Review status: no assertion criteria provided. Collection method: clinical testing. Allele origin: unknown. Not counted in ClinVar's aggregate classification.

NM_006351.4(TIMM44):c.863-8C>T

Gene: TIMM44 (translocase of inner mitochondrial membrane 44; minus strand). Cytogenetic location: 19p13.2.
Variant type: single nucleotide variant.
Coding change: c.863-8C>T on transcript NM_006351.4 (MANE Select); 8 bases into the intron before coding-DNA position 863, C replaced by T.
Molecular consequence: intron variant.
Genome position (GRCh38, 1-based): chr19:7,932,759, G>A on the plus strand (C>T on the coding strand, the complement: TIMM44 is on the minus strand). VCF-style: chr19-7932759-G-A. GRCh37 (hg19) VCF-style: chr19-7997644-G-A.
Identifiers: ClinVar variation 137645 (VCV000137645.6), dbSNP rs55991628, ClinGen allele CA291291.